The following is an entry in ClinVar:

ClinVar aggregate classification (germline): Uncertain significance (1 of 4 stars; one submission).

Conditions:
Mitochondrial DNA depletion syndrome 13. Also called: FBXL4-Related Encephalomyopathic Mitochondrial DNA Depletion Syndrome; Mitochondrial DNA depletion syndrome 13 (encephalomyopathic type). Identifiers: Orphanet 369897, MedGen C3809592, MONDO:0014198, OMIM 615471.

Allele frequency attached by ClinVar (database versions not stated): gnomAD exomes below 0.00001; ExAC 0.00001; gnomAD 0.00001; TOPMed 0.00001.
gnomAD v4.1: 8 of 1,613,872 alleles (0.0005%); highest among the groups gnomAD compares: African/African-American, 0.0013%; no homozygotes.

Submission:

Wong Mito Lab, Molecular and Human Genetics, Baylor College of Medicine
Classification: Uncertain significance for Mitochondrial DNA depletion syndrome 13. Last evaluated: 2017-08-10. Review status: criteria provided, single submitter. Criteria: ACMG Guidelines, 2015. Collection method: reference population. Allele origin: germline.
Comment: The NM_012160.4:c.62G>A (NP_036292.2:p.Arg21His) [GRCH38: NC_000006.12:g.98926927C>T] variant in FBXL4 gene is interpretated to be a Uncertain Significance - Insufficient Evidence based on ACMG guidelines (PMID: 25741868). This variant meets one or more of the following evidence codes reported in the ACMG-guideline. PM2:This variant is absent in key population databases. PP3:Computational evidence/predictors indicate the variant has deleterious effect on FBXL4 structure, function, or protein-protein interaction. Based on this evidence code ClinGen Pathogenicity Calculator (PMID:28081714) suggested that the variant is Uncertain Significance - Insufficient Evidence.

NM_001278716.2(FBXL4):c.62G>A (p.Arg21His)

Gene: FBXL4 (F-box and leucine rich repeat protein 4; minus strand). Cytogenetic location: 6q16.2.
Variant type: single nucleotide variant.
Coding change: c.62G>A on transcript NM_001278716.2 (MANE Select); coding-DNA position 62, G replaced by A.
Protein change: p.Arg21His; replaces arginine 21 with histidine.
Molecular consequence: missense variant. On other transcripts: non-coding transcript variant (2).
Genome position (GRCh38, 1-based): chr6:98,926,927, C>T on the plus strand (G>A on the coding strand, the complement: FBXL4 is on the minus strand). VCF-style: chr6-98926927-C-T. GRCh37 (hg19) VCF-style: chr6-99374803-C-T.
Other names: c.62G>A, p.Arg21His (NM_012160.5); short protein forms R21H.
Identifiers: ClinVar variation 437526 (VCV000437526.1), dbSNP rs765093806, ClinGen allele CA3933748.
Genomic context (GRCh38, chr6:98,926,927, plus strand): 5'-TTTGATTCTATAGCTCTATGGGTGTTCATCATTTCTCCTCTTGTAGCTGTCCTGGCTCGG[C>T]GCCGAAGGCATATATAATAAAACATGGTCAGAACTGTTAACATGGGAAAGACCGGTGACA-3'
Protein context (NP_001265645.1, residues 11-31): LTMFYYICLR[Arg21His]RARTATRGEM